The following is an entry in ClinVar:

ClinVar aggregate classification (germline): Pathogenic. Review status: criteria provided, multiple submitters, no conflicts (2 of 4 stars). 2 submissions from 2 submitters: Pathogenic (2). Last evaluated 2026-01-02.

Conditions:
Rare genetic deafness. Identifiers: Orphanet 96210, MedGen C5680250.

gnomAD v4.1: 1 of 1,614,034 alleles (0.000062%); highest among the groups gnomAD compares: East Asian, 0.0022%; no homozygotes.

Submissions (2):

Labcorp Genetics (formerly Invitae), Labcorp
Classification: Pathogenic. Last evaluated: 2026-01-02. Review status: criteria provided, single submitter. Criteria: Invitae Variant Classification Sherloc (09022015). Collection method: clinical testing. Allele origin: germline.
Comment: This sequence change creates a premature translational stop signal (p.Glu4571*) in the USH2A gene. It is expected to result in an absent or disrupted protein product. Loss-of-function variants in USH2A are known to be pathogenic (PMID: 10729113, 10909849, 20507924, 25649381). This variant is not present in population databases (gnomAD no frequency). This variant has not been reported in the literature in individuals affected with USH2A-related conditions. ClinVar contains an entry for this variant (Variation ID: 228412). For these reasons, this variant has been classified as Pathogenic.

Laboratory for Molecular Medicine, Mass General Brigham Personalized Medicine
Classification: Pathogenic for Rare genetic deafness. Last evaluated: 2015-06-16. Review status: criteria provided, single submitter. Criteria: LMM Criteria. Collection method: clinical testing. Allele origin: germline. Inheritance: Autosomal recessive inheritance. Observed: 1 variant allele.
Comment: The p.Glu4571X variant in USH2A has not been previously reported in individuals with hearing loss Usher syndrome, and it was absent from large population studie s. This nonsense variant leads to a premature termination codon at position 4571 , which is predicted to lead to a truncated or absent protein. In summary, this variant meets our criteria to be classified as pathogenic for Usher syndrome in an autosomal recessive manner.

Literature cited by the submitters: PubMed 10729113 (cited by Labcorp Genetics (formerly Invitae), Labcorp); PubMed 10909849 (cited by Labcorp Genetics (formerly Invitae), Labcorp); PubMed 20507924 (cited by Labcorp Genetics (formerly Invitae), Labcorp); PubMed 25649381 (cited by Labcorp Genetics (formerly Invitae), Labcorp).

NM_206933.4(USH2A):c.13711G>T (p.Glu4571Ter)

Gene: USH2A (usherin; minus strand). Cytogenetic location: 1q41.
Variant type: single nucleotide variant.
Coding change: c.13711G>T on transcript NM_206933.4 (MANE Select); coding-DNA position 13711, G replaced by T.
Protein change: p.Glu4571Ter; replaces glutamic acid 4571 with a stop codon.
Molecular consequence: nonsense.
Genome position (GRCh38, 1-based): chr1:215,674,200, C>A on the plus strand (G>T on the coding strand, the complement: USH2A is on the minus strand). VCF-style: chr1-215674200-C-A. GRCh37 (hg19) VCF-style: chr1-215847542-C-A.
Other names: short protein forms E4571*.
Identifiers: ClinVar variation 228412 (VCV000228412.6), dbSNP rs751411512, ClinGen allele CA10576375.